The following is an entry in ClinVar:

NM_000038.6(APC):c.1277_1282del (p.Ala426_His427del)

Gene: APC (APC regulator of Wnt signaling pathway; plus strand). Cytogenetic location: 5q22.2.
Variant type: Deletion.
Coding change: c.1277_1282del on transcript NM_000038.6 (MANE Select); coding-DNA positions 1277 to 1282, 6 bases deleted (CTCATG; older notation c.1277_1282delCTCATG).
Protein change: p.Ala426_His427del.
Molecular consequence: inframe deletion. On other transcripts: non-coding transcript variant (2).
Genome position (GRCh38, 1-based): chr5:112,819,309-112,819,314, CTCATG deleted; deleting any 6 consecutive bases within chr5:112,819,308-112,819,314 gives the same sequence; the c. name uses the placement nearest the transcript's 3' end. VCF-style (leftmost placement, unchanged base first): chr5-112819307-AGCTCAT-A. GRCh37 (hg19) VCF-style: chr5-112155004-AGCTCAT-A.
Other names: c.1277_1282del, p.Ala426_His427del (NM_001127510.3, NM_001354895.2, NM_001354896.2 and 4 more transcripts); c.1223_1228del, p.Ala408_His409del (NM_001127511.3); c.1307_1312del, p.Ala436_His437del (NM_001354897.2, NM_001407446.1); c.1202_1207del, p.Ala401_His402del (NM_001354898.2, NM_001407451.1); c.1193_1198del, p.Ala398_His399del (NM_001354899.2, NM_001407452.1); c.1100_1105del, p.Ala367_His368del (NM_001354900.2, NM_001354901.2, NM_001407453.1); c.1004_1009del, p.Ala335_His336del (NM_001354902.2); c.974_979del, p.Ala325_His326del (NM_001354903.2, NM_001407454.1, NM_001407455.1 and 5 more transcripts); and 5 more.
Identifiers: ClinVar variation 4730520 (VCV004730520.1).

ClinVar aggregate classification (germline): Uncertain significance (1 of 4 stars; one submission).

Conditions:
Familial adenomatous polyposis 1 (FAP1). Also called: FAMILIAL ADENOMATOUS POLYPOSIS 1, ATTENUATED; POLYPOSIS, ADENOMATOUS INTESTINAL. Identifiers: MedGen C2713442, MONDO:0021056, OMIM 175100. Disease mechanism: loss of function.

Submission:

Labcorp Genetics (formerly Invitae), Labcorp
Classification: Uncertain significance for Familial adenomatous polyposis 1. Last evaluated: 2025-11-05. Review status: criteria provided, single submitter. Criteria: Invitae Variant Classification Sherloc (09022015). Collection method: clinical testing. Allele origin: germline.
Comment: This variant, c.1277_1282del, results in the deletion of 2 amino acid(s) of the APC protein (p.Ala426_His427del), but otherwise preserves the integrity of the reading frame. This variant is not present in population databases (gnomAD no frequency). This variant has not been reported in the literature in individuals affected with APC-related conditions. Experimental studies and prediction algorithms are not available or were not evaluated, and the functional significance of this variant is currently unknown. In summary, the available evidence is currently insufficient to determine the role of this variant in disease. Therefore, it has been classified as a Variant of Uncertain Significance.